The following is an entry in ClinVar:

NM_001232.4(CASQ2):c.257A>G (p.His86Arg)

Gene: CASQ2 (calsequestrin 2; minus strand). Cytogenetic location: 1p13.1.
Variant type: single nucleotide variant.
Coding change: c.257A>G on transcript NM_001232.4 (MANE Select); coding-DNA position 257, A replaced by G.
Protein change: p.His86Arg; replaces histidine 86 with arginine.
Molecular consequence: missense variant.
Genome position (GRCh38, 1-based): chr1:115,744,890, T>C on the plus strand (A>G on the coding strand, the complement: CASQ2 is on the minus strand). VCF-style: chr1-115744890-T-C. GRCh37 (hg19) VCF-style: chr1-116287511-T-C.
Other names: c.257A>G (NM_001232.3); short protein forms H86R.
Identifiers: ClinVar variation 1410386 (VCV001410386.7), dbSNP rs372587044, ClinGen allele CA1023962.

ClinVar aggregate classification (germline): Uncertain significance. Review status: criteria provided, multiple submitters, no conflicts (2 of 4 stars). 2 submissions from 2 submitters: Uncertain significance (2). Last evaluated 2025-05-14.

Conditions:
Catecholaminergic polymorphic ventricular tachycardia 1. Also called: RYR2-Related Catecholaminergic Polymorphic Ventricular Tachycardia; VENTRICULAR TACHYCARDIA, STRESS-INDUCED POLYMORPHIC 1; VENTRICULAR TACHYCARDIA, CATECHOLAMINERGIC POLYMORPHIC, 1, WITH OR WITHOUT ATRIAL DYSFUNCTION AND/OR DILATED CARDIOMYOPATHY. Identifiers: Orphanet 3286, MedGen C1631597, MONDO:0011484, OMIM 604772.
Cardiovascular phenotype. Identifiers: MedGen CN230736.

Allele frequency attached by ClinVar (database versions not stated): gnomAD exomes below 0.00001; ExAC 0.00001; gnomAD 0.00001; TOPMed 0.00001; ESP Exome Variant Server 0.00008.
gnomAD v4.1: 4 of 1,613,616 alleles (0.00025%); highest among the groups gnomAD compares: Non-Finnish European, 0.00034%; no homozygotes.

Submissions (2):

Ambry Genetics
Classification: Uncertain significance for Cardiovascular phenotype. Last evaluated: 2025-05-14. Review status: criteria provided, single submitter. Criteria: Ambry Variant Classification Scheme 2023. Collection method: clinical testing. Allele origin: germline.
Comment: The p.H86R variant (also known as c.257A>G), located in coding exon 2 of the CASQ2 gene, results from an A to G substitution at nucleotide position 257. The histidine at codon 86 is replaced by arginine, an amino acid with highly similar properties. This amino acid position is conserved. In addition, this alteration is predicted to be tolerated by in silico analysis. Based on the available evidence, the clinical significance of this variant remains unclear.

Labcorp Genetics (formerly Invitae), Labcorp
Classification: Uncertain significance for Catecholaminergic polymorphic ventricular tachycardia 1. Last evaluated: 2025-01-10. Review status: criteria provided, single submitter. Criteria: Invitae Variant Classification Sherloc (09022015). Collection method: clinical testing. Allele origin: germline.
Comment: This sequence change replaces histidine, which is basic and polar, with arginine, which is basic and polar, at codon 86 of the CASQ2 protein (p.His86Arg). This variant is present in population databases (rs372587044, gnomAD 0.0009%). This variant has not been reported in the literature in individuals affected with CASQ2-related conditions. ClinVar contains an entry for this variant (Variation ID: 1410386). Invitae Evidence Modeling of protein sequence and biophysical properties (such as structural, functional, and spatial information, amino acid conservation, physicochemical variation, residue mobility, and thermodynamic stability) indicates that this missense variant is not expected to disrupt CASQ2 protein function with a negative predictive value of 80%. In summary, the available evidence is currently insufficient to determine the role of this variant in disease. Therefore, it has been classified as a Variant of Uncertain Significance.